The following is an entry in ClinVar:

ClinVar aggregate classification (germline): Conflicting classifications of pathogenicity. Review status: criteria provided, conflicting classifications (1 of 4 stars). 3 submissions from 3 submitters: Uncertain significance (2); Likely benign (1). Last evaluated 2026-07-02.

Conditions:
Mitochondrial DNA depletion syndrome 9 (MTDPS9). Also called: SUCLG1-Related Mitochondrial DNA Depletion Syndrome, Encephalomyopathic Form with Methylmalonic Aciduria. Identifiers: Orphanet 17, MedGen C3151476, MONDO:0009504, OMIM 245400.

Allele frequency attached by ClinVar (database versions not stated): gnomAD 0.00045 and 0.00040; gnomAD exomes 0.00004 and 0.00009; ExAC 0.00012; ESP Exome Variant Server 0.00023; TOPMed 0.00040.

Submissions (3):

GeneDx
Classification: Uncertain significance. Last evaluated: 2026-07-02. Review status: criteria provided, single submitter. Criteria: GeneDx Variant Classification Process June 2021. Collection method: clinical testing. Allele origin: germline.
Comment: In silico analysis supports that this missense variant has a deleterious effect on protein structure/function; Has not been previously published as pathogenic or benign to our knowledge

Labcorp Genetics (formerly Invitae), Labcorp
Classification: Likely benign for Mitochondrial DNA depletion syndrome 9. Last evaluated: 2026-01-27. Review status: criteria provided, single submitter. Criteria: Invitae Variant Classification Sherloc (09022015). Collection method: clinical testing. Allele origin: germline.

Fulgent Genetics
Classification: Uncertain significance for Mitochondrial DNA depletion syndrome 9. Last evaluated: 2018-10-31. Review status: criteria provided, single submitter. Criteria: ACMG Guidelines, 2015. Collection method: clinical testing. Allele origin: unknown.

NM_003849.4(SUCLG1):c.721G>A (p.Glu241Lys)

Gene: SUCLG1 (succinate-CoA ligase GDP/ADP-forming subunit alpha; minus strand). Cytogenetic location: 2p11.2.
Variant type: single nucleotide variant.
Coding change: c.721G>A on transcript NM_003849.4 (MANE Select); coding-DNA position 721, G replaced by A.
Protein change: p.Glu241Lys; replaces glutamic acid 241 with lysine.
Molecular consequence: missense variant.
Genome position (GRCh38, 1-based): chr2:84,431,612, C>T on the plus strand (G>A on the coding strand, the complement: SUCLG1 is on the minus strand). VCF-style: chr2-84431612-C-T. GRCh37 (hg19) VCF-style: chr2-84658736-C-T.
Other names: short protein forms E241K.
Identifiers: ClinVar variation 579004 (VCV000579004.10), dbSNP rs145106503, ClinGen allele CA1736192.
Genomic context (GRCh38, chr2:84,431,612, plus strand): 5'-TACCACCAATTTCACCAATCAATATGATGCCTTCTGTGGCAGAATCGTTCAAAAAGATTT[C>T]GAGGCAGTCAATAAAATCTGTTCCATTAAAAGGATCACCTCCAATGCCTGAAAAAGTTGA-3'
Protein context (NP_003840.2, residues 231-251): FNGTDFIDCL[Glu241Lys]IFLNDSATEG